The following is an entry in ClinVar:

NM_001042492.3(NF1):c.403C>G (p.Arg135Gly)

Gene: NF1 (neurofibromin 1; plus strand). Cytogenetic location: 17q11.2.
Variant type: single nucleotide variant.
Coding change: c.403C>G on transcript NM_001042492.3 (MANE Select); coding-DNA position 403, C replaced by G.
Protein change: p.Arg135Gly; replaces arginine 135 with glycine.
Molecular consequence: missense variant.
Genome position (GRCh38, 1-based): chr17:31,163,300, C>G. VCF-style: chr17-31163300-C-G. GRCh37 (hg19) VCF-style: chr17-29490318-C-G.
Other names: c.403C>G, p.Arg135Gly (NM_001128147.3, NM_000267.4); short protein forms R135G.
Identifiers: ClinVar variation 4615711 (VCV004615711.1).
Genomic context (GRCh38, chr17:31,163,300, plus strand): 5'-CCAGAAATCTGCCATTTTCTTCACACCTGTCGTGAAGGAAACCAGCATGCAGCTGAACTT[C>G]GGAATTCTGCCTCTGGGGTTTTATTTTCTCTCAGCTGCAACAACTTCAATGCAGTCTTTA-3'
Protein context (NP_001035957.1, residues 125-145): REGNQHAAEL[Arg135Gly]NSASGVLFSL

ClinVar aggregate classification (germline): Uncertain significance (1 of 4 stars; one submission).

Conditions:
Cardiovascular phenotype. Identifiers: MedGen CN230736.
Hereditary cancer-predisposing syndrome. Also called: Neoplastic Syndromes, Hereditary; Tumor predisposition; Hereditary Cancer Syndrome; Hereditary neoplastic syndrome. Identifiers: Orphanet 140162, MedGen C0027672, MeSH D009386, MONDO:0015356.

gnomAD v4.1: 1 of 1,614,112 alleles (0.000062%); highest among the groups gnomAD compares: Non-Finnish European, 0.000085%; no homozygotes.

Submission:

Ambry Genetics
Classification: Uncertain significance for Cardiovascular phenotype; Hereditary cancer-predisposing syndrome. Last evaluated: 2025-09-16. Review status: criteria provided, single submitter. Criteria: Ambry Variant Classification Scheme 2023. Collection method: clinical testing. Allele origin: germline.
Comment: The p.R135G variant (also known as c.403C>G), located in coding exon 4 of the NF1 gene, results from a C to G substitution at nucleotide position 403. The arginine at codon 135 is replaced by glycine, an amino acid with dissimilar properties. This amino acid position is highly conserved in available vertebrate species. In addition, this alteration is predicted to be deleterious by in silico analysis. Based on the available evidence, the clinical significance of this variant remains unclear.